The following is an entry in ClinVar:

NM_001814.6(CTSC):c.565A>G (p.Thr189Ala)

Gene: CTSC (cathepsin C; minus strand). Cytogenetic location: 11q14.2.
Variant type: single nucleotide variant.
Coding change: c.565A>G on transcript NM_001814.6 (MANE Select); coding-DNA position 565, A replaced by G.
Protein change: p.Thr189Ala; replaces threonine 189 with alanine.
Molecular consequence: missense variant.
Genome position (GRCh38, 1-based): chr11:88,309,239, T>C on the plus strand (A>G on the coding strand, the complement: CTSC is on the minus strand). VCF-style: chr11-88309239-T-C. GRCh37 (hg19) VCF-style: chr11-88042407-T-C.
Other names: c.565A>G (LRG_50t1); short protein forms T189A.
Identifiers: ClinVar variation 306427 (VCV000306427.14), dbSNP rs200779585, ClinGen allele CA6219920.

ClinVar aggregate classification (germline): Likely benign. Review status: criteria provided, multiple submitters, no conflicts (2 of 4 stars). 4 submissions from 3 submitters: Likely benign (4). Last evaluated 2026-02-02.

Conditions:
Periodontitis, aggressive. Identifiers: MedGen C0031106, MONDO:0980757.
Papillon-Lefèvre syndrome (PALS). Also called: KERATOSIS PALMOPLANTARIS WITH PERIODONTOPATHIA; Papillon-Lefevre Disease. Identifiers: Orphanet 678, MedGen C0030360, MONDO:0009490, OMIM 245000.
Haim-Munk syndrome (HMS). Also called: KERATOSIS PALMOPLANTARIS WITH PERIODONTOPATHIA AND ONYCHOGRYPOSIS; COCHIN JEWISH DISORDER. Identifiers: Orphanet 2342, MedGen C1855627, MONDO:0009491, OMIM 245010.

Allele frequency attached by ClinVar (database versions not stated): gnomAD exomes 0.00010 and 0.00035; gnomAD 0.00017 and 0.00021; ExAC 0.00028; TOPMed 0.00028; 1000 Genomes Project 30x 0.00031; 1000 Genomes Project 0.00040.
gnomAD v4.1: 179 of 1,613,690 alleles (0.011%); highest among the groups gnomAD compares: East Asian, 0.33%; no homozygotes.

Submissions (4):

Labcorp Genetics (formerly Invitae), Labcorp
Classification: Likely benign for Haim-Munk syndrome; Periodontitis, aggressive; Papillon-Lefèvre syndrome. Last evaluated: 2026-02-02. Review status: criteria provided, single submitter. Criteria: Invitae Variant Classification Sherloc (09022015). Collection method: clinical testing. Allele origin: germline.

Blueprint Genetics
Classification: Likely benign. Last evaluated: 2024-01-09. Review status: criteria provided, single submitter. Criteria: ACMG Guidelines, 2015. Collection method: clinical testing. Allele origin: germline.

Illumina Laboratory Services, Illumina
Classification: Likely benign for Papillon-Lefèvre syndrome. Last evaluated: 2018-01-13. Review status: criteria provided, single submitter. Criteria: ICSL Variant Classification Criteria 13 December 2019. Collection method: clinical testing. Allele origin: germline.
Comment: This variant was observed in the ICSL laboratory as part of a predisposition screen in an ostensibly healthy population. It had not been previously curated by ICSL or reported in the Human Gene Mutation Database (HGMD: prior to June 1st, 2018), and was therefore a candidate for classification through an automated scoring system. Utilizing variant allele frequency, disease prevalence and penetrance estimates, and inheritance mode, an automated score was calculated to assess if this variant is too frequent to cause the disease. Based on the score and internal cut-off values, a variant classified as likely benign is not then subjected to further curation. The score for this variant resulted in a classification of likely benign for this disease.

Illumina Laboratory Services, Illumina
Classification: Likely benign for Haim-Munk syndrome. Last evaluated: 2018-01-13. Review status: criteria provided, single submitter. Criteria: ICSL Variant Classification Criteria 13 December 2019. Collection method: clinical testing. Allele origin: germline.
Comment: the same text as in the submission from Illumina Laboratory Services, Illumina above.